The following is an entry in ClinVar:

NM_000038.6(APC):c.4100A>G (p.Gln1367Arg)

Gene: APC (APC regulator of Wnt signaling pathway; plus strand). Cytogenetic location: 5q22.2.
Variant type: single nucleotide variant.
Coding change: c.4100A>G on transcript NM_000038.6 (MANE Select); coding-DNA position 4100, A replaced by G.
Protein change: p.Gln1367Arg; replaces glutamine 1367 with arginine.
Molecular consequence: missense variant.
Genome position (GRCh38, 1-based): chr5:112,839,694, A>G. VCF-style: chr5-112839694-A-G. GRCh37 (hg19) VCF-style: chr5-112175391-A-G.
Other names: c.4100A>G, p.Gln1367Arg (NM_001127510.3, NM_001354895.2); c.4046A>G, p.Gln1349Arg (NM_001127511.3); c.4154A>G, p.Gln1385Arg (NM_001354896.2); c.4130A>G, p.Gln1377Arg (NM_001354897.2); c.4025A>G, p.Gln1342Arg (NM_001354898.2); c.4016A>G, p.Gln1339Arg (NM_001354899.2); c.3977A>G, p.Gln1326Arg (NM_001354900.2); c.3923A>G, p.Gln1308Arg (NM_001354901.2); and 5 more; short protein forms Q1349R, Q1367R, Q1342R, Q1308R, Q1207R, Q1241R, Q1326R, Q1339R.
Identifiers: ClinVar variation 469951 (VCV000469951.30), dbSNP rs1399790840, ClinGen allele CA16030311.

ClinVar aggregate classification (germline): Conflicting classifications of pathogenicity. Review status: criteria provided, conflicting classifications (1 of 4 stars). 11 submissions from 11 submitters: Uncertain significance (9); Likely benign (1). 1 of the submissions does not count toward it. Last evaluated 2025-12-09.

Conditions:
APC-related disorder. Also called: APC-related condition.
Hereditary cancer-predisposing syndrome. Also called: Tumor predisposition; Hereditary neoplastic syndrome; Neoplastic Syndromes, Hereditary; Hereditary Cancer Syndrome. Identifiers: Orphanet 140162, MedGen C0027672, MeSH D009386, MONDO:0015356.
Gastric cancer. Also called: Stomach cancer; Malignant tumor of stomach. Identifiers: MedGen C0024623, MeSH D013274, MONDO:0001056, OMIM 613659, HP:0012126.
Colorectal cancer. Also called: Colorectal cancer, somatic; Malignant Colorectal Neoplasm. Identifiers: MedGen C0346629, MONDO:0005575, OMIM 114500.
Familial adenomatous polyposis 1 (FAP1). Also called: FAMILIAL ADENOMATOUS POLYPOSIS 1, ATTENUATED; POLYPOSIS, ADENOMATOUS INTESTINAL. Identifiers: MedGen C2713442, MONDO:0021056, OMIM 175100. Disease mechanism: loss of function.
Hepatocellular carcinoma (HCC). Also called: Primary carcinoma of liver; HEPATOMA; LIVER CELL CARCINOMA. Identifiers: Orphanet 88673, MedGen C2239176, MONDO:0007256, OMIM 114550, HP:0001402.
Desmoid disease, hereditary (DESMD). Also called: FIBROMATOSIS, FAMILIAL INFILTRATIVE. Identifiers: Orphanet 873, MedGen C1851124, OMIM 135290. Disease mechanism: loss of function.
Gastric adenocarcinoma and proximal polyposis of the stomach (GAPPS). Also called: Polyposis, gastric, Dos Santos and de Magalhaes 1980; POLYPOSIS, GASTRIC; Gastric Adenocarcinoma and Proximal Polyposis of the Stomach (GAPPS). Identifiers: Orphanet 314022, MedGen C4749917, MONDO:0017790, OMIM 619182.
Classic or attenuated familial adenomatous polyposis. Identifiers: MedGen CN372698, MONDO:0021057.

Allele frequency attached by ClinVar (database versions not stated): gnomAD exomes below 0.00001 and 0.00001; gnomAD 0.00001.
gnomAD v4.1: 14 of 1,614,062 alleles (0.00087%); highest among the groups gnomAD compares: Non-Finnish European, 0.0012%; no homozygotes.

Submissions (11):

Labcorp Genetics (formerly Invitae), Labcorp
Classification: Uncertain significance for Familial adenomatous polyposis 1. Last evaluated: 2025-12-09. Review status: criteria provided, single submitter. Criteria: Invitae Variant Classification Sherloc (09022015). Collection method: clinical testing. Allele origin: germline.
Comment: This sequence change replaces glutamine, which is neutral and polar, with arginine, which is basic and polar, at codon 1367 of the APC protein (p.Gln1367Arg). This variant is present in population databases (no rsID available, gnomAD 0.002%). This missense change has been observed in individual(s) with APC-related conditions (PMID: 31422818). ClinVar contains an entry for this variant (Variation ID: 469951). Invitae Evidence Modeling of protein sequence and biophysical properties (such as structural, functional, and spatial information, amino acid conservation, physicochemical variation, residue mobility, and thermodynamic stability) indicates that this missense variant is not expected to disrupt APC protein function with a negative predictive value of 95%. In summary, the available evidence is currently insufficient to determine the role of this variant in disease. Therefore, it has been classified as a Variant of Uncertain Significance.

Center for Genomic Medicine, Rigshospitalet, Copenhagen University Hospital
Classification: Uncertain significance. Last evaluated: 2025-03-04. Review status: criteria provided, single submitter. Criteria: ACMG Guidelines, 2015. Collection method: clinical testing. Allele origin: germline.

Fulgent Genetics
Classification: Uncertain significance for Colorectal cancer; Hepatocellular carcinoma; Desmoid disease, hereditary; Familial adenomatous polyposis 1; Gastric cancer; Gastric adenocarcinoma and proximal polyposis of the stomach. Last evaluated: 2024-04-01. Review status: criteria provided, single submitter. Criteria: ACMG Guidelines, 2015. Collection method: clinical testing. Allele origin: germline.

Baylor Genetics
Classification: Uncertain significance for Familial adenomatous polyposis 1. Last evaluated: 2024-03-16. Review status: criteria provided, single submitter. Criteria: ACMG Guidelines, 2015. Collection method: clinical testing. Allele origin: unknown.

GeneDx
Classification: Uncertain significance. Last evaluated: 2023-12-28. Review status: criteria provided, single submitter. Criteria: GeneDx Variant Classification Process June 2021. Collection method: clinical testing. Allele origin: germline. Affected: yes.
Comment: Not observed at significant frequency in large population cohorts (gnomAD); In silico analysis supports that this missense variant does not alter protein structure/function; Identified in an individual with a personal and family history of colorectal cancer (PMID: 25559809); This variant is associated with the following publications: (PMID: 18199528, 25559809)

All of Us Research Program, National Institutes of Health
Classification: Uncertain significance for Classic or attenuated familial adenomatous polyposis. Last evaluated: 2023-11-02. Review status: criteria provided, single submitter. Criteria: ACMG Guidelines, 2015. Collection method: clinical testing. Allele origin: germline. Inheritance: Autosomal dominant inheritance. Observed: 2 variant alleles, 2 heterozygotes.
Comment: This missense variant replaces glutamine with arginine at codon 1367 of the APC protein. Computational prediction suggests that this variant may not impact protein structure and function (internally defined REVEL score threshold <= 0.5, PMID: 27666373). To our knowledge, functional studies have not been reported for this variant. This variant has been reported in an individual affected with familial colorectal cancer and/or colorectal polyp (PMID: 25559809, 31422818). This variant has been identified in 2/282186 chromosomes in the general population by the Genome Aggregation Database (gnomAD). The available evidence is insufficient to determine the role of this variant in disease conclusively. Therefore, this variant is classified as a Variant of Uncertain Significance.

This study involves interpretation of variants in research participants for the purpose of population health screening. Participant phenotype was not available at the time of variant classification. Additional details can be found in publication PMID: 35346344, PMCID: PMC8962531

PreventionGenetics, part of Exact Sciences
Classification: Uncertain significance for APC-related condition. Last evaluated: 2023-09-27. Review status: criteria provided, single submitter. Criteria: ACMG Guidelines, 2015. Collection method: clinical testing. Allele origin: germline.
Comment: The APC c.4100A>G variant is predicted to result in the amino acid substitution p.Gln1367Arg. This variant has been reported in an individual with proximal colon cancer (Patient ID 118201, Chubb et al. 2015. PubMed ID: 25559809). This variant is reported in 0.0016% of alleles in individuals of European (Non-Finnish) descent in gnomAD and is reported as a variant of uncertain significance in ClinVar. At this time, the clinical significance of this variant is uncertain due to the absence of conclusive functional and genetic evidence.

Myriad Genetics, Inc.
Classification: Uncertain significance for Familial adenomatous polyposis 1. Last evaluated: 2023-02-14. Review status: criteria provided, single submitter. Criteria: Myriad Autosomal Dominant, Autosomal Recessive and X-Linked Classification Criteria (2023). Collection method: clinical testing. Allele origin: unknown.
Comment: This variant is classified as a variant of uncertain significance as there is insufficient evidence to determine its impact on protein function and/or cancer risk.

Ambry Genetics
Classification: Likely benign for Hereditary cancer-predisposing syndrome. Last evaluated: 2023-02-02. Review status: criteria provided, single submitter. Criteria: Ambry Variant Classification Scheme 2023. Collection method: clinical testing. Allele origin: germline.

Laboratory for Molecular Medicine, Mass General Brigham Personalized Medicine
Classification: Uncertain significance. Last evaluated: 2016-12-21. Review status: criteria provided, single submitter. Criteria: LMM Criteria. Collection method: clinical testing. Allele origin: germline. Observed: 1 variant allele.
Comment: The p.Gln1367Arg variant in APC has not been previously reported in individuals with APC-associated polyposis, but has been identified in 2/126198 of European c hromosomes by the genome Aggregation Database (gnomAD). Although the affected amino acid is well conserved in evolutio n, computational pathogenicity prediction tools suggest that this change may not affect the protein. In summary, the clinical significance of the p.Gln1367Arg v ariant is uncertain.

Counsyl
Classification: Uncertain significance for Familial adenomatous polyposis 1. Last evaluated: 2018-04-06. Review status: no assertion criteria provided. Collection method: clinical testing. Allele origin: unknown. Not counted in ClinVar's aggregate classification.

Literature cited by the submitters: PubMed 31422818 (cited by Labcorp Genetics (formerly Invitae), Labcorp and All of Us Research Program, National Institutes of Health); PubMed 25559809 (cited by All of Us Research Program, National Institutes of Health and Counsyl).